The following is an entry in ClinVar:

NM_000214.3(JAG1):c.367C>T (p.Pro123Ser)

Gene: JAG1 (jagged canonical Notch ligand 1; minus strand). Cytogenetic location: 20p12.2.
Variant type: single nucleotide variant.
Coding change: c.367C>T on transcript NM_000214.3 (MANE Select); coding-DNA position 367, C replaced by T.
Protein change: p.Pro123Ser; replaces proline 123 with serine.
Molecular consequence: missense variant.
Genome position (GRCh38, 1-based): chr20:10,672,721, G>A on the plus strand (C>T on the coding strand, the complement: JAG1 is on the minus strand). VCF-style: chr20-10672721-G-A. GRCh37 (hg19) VCF-style: chr20-10653369-G-A.
Other names: short protein forms P123S.
Identifiers: ClinVar variation 4686088 (VCV004686088.1).

ClinVar aggregate classification (germline): Uncertain significance (1 of 4 stars; one submission).

Submission:

GeneDx
Classification: Uncertain significance. Last evaluated: 2025-07-17. Review status: criteria provided, single submitter. Criteria: GeneDx Variant Classification Process June 2021. Collection method: clinical testing. Allele origin: germline. Affected: yes.
Comment: Reported in a patient with features of Alagille syndrome in published literature (PMID: 12497640); the variant was inherited from a parent on whom clinical information was not provided; Not observed at significant frequency in large population cohorts (gnomAD); In silico analysis supports that this missense variant has a deleterious effect on protein structure/function; This variant is associated with the following publications: (PMID: 12497640)